The following is an entry in ClinVar:

ClinVar aggregate classification (germline): Pathogenic (1 of 4 stars; one submission).

Conditions:
Retinitis pigmentosa 25 (RP25). Identifiers: Orphanet 791, MedGen C1864446, MONDO:0011272, OMIM 602772.

gnomAD v4.1: 1 of 1,550,812 alleles (0.000064%); highest among the groups gnomAD compares: Non-Finnish European, 0.000087%; no homozygotes.

Submission:

Myriad Genetics, Inc.
Classification: Pathogenic for Retinitis pigmentosa 25. Last evaluated: 2026-02-12. Review status: criteria provided, single submitter. Criteria: Myriad Autosomal Dominant, Autosomal Recessive and X-Linked Classification Criteria (2023). Collection method: clinical testing. Allele origin: unknown.
Comment: NM_001142800.1(EYS):c.2163C>A(C721*) is expected to be pathogenic in the context of retinitis pigmentosa, EYS-related. This variant is predicted to lead to an abnormal or absent protein product due to the creation of a premature termination codon in EYS, a gene where loss-of-function variants are known to be pathogenic. Please note: this variant was assessed in the context of healthy population screening.

NM_001142800.2(EYS):c.2163C>A (p.Cys721Ter)

Gene: EYS (EGF-like photoreceptor maintenance factor; minus strand). Cytogenetic location: 6q12.
Variant type: single nucleotide variant.
Coding change: c.2163C>A on transcript NM_001142800.2 (MANE Select); coding-DNA position 2163, C replaced by A.
Protein change: p.Cys721Ter; replaces cysteine 721 with a stop codon.
Molecular consequence: nonsense.
Genome position (GRCh38, 1-based): chr6:64,997,678, G>T on the plus strand (C>A on the coding strand, the complement: EYS is on the minus strand). VCF-style: chr6-64997678-G-T. GRCh37 (hg19) VCF-style: chr6-65707571-G-T.
Other names: c.2163C>A, p.Cys721Ter (NM_001292009.2); short protein forms C721*.
Identifiers: ClinVar variation 5015541 (VCV005015541.1).